The following is an entry in ClinVar:

ClinVar aggregate classification (germline): Uncertain significance (1 of 4 stars; one submission).

Conditions:
Cardiovascular phenotype. Identifiers: MedGen CN230736.

gnomAD v4.1: 1 of 1,540,402 alleles (0.000065%); highest among the groups gnomAD compares: African/African-American, 0.0014%; no homozygotes.

Submission:

Ambry Genetics
Classification: Uncertain significance for Cardiovascular phenotype. Last evaluated: 2024-07-24. Review status: criteria provided, single submitter. Criteria: Ambry Variant Classification Scheme 2023. Collection method: clinical testing. Allele origin: germline.
Comment: The p.G3432A variant (also known as c.10295G>C), located in coding exon 2 of the ZNF469 gene, results from a G to C substitution at nucleotide position 10295. The glycine at codon 3432 is replaced by alanine, an amino acid with similar properties. This amino acid position is conserved. In addition, this alteration is predicted to be tolerated by in silico analysis. Based on the available evidence, the clinical significance of this variant remains unclear.

NM_001367624.2(ZNF469):c.10379G>C (p.Gly3460Ala)

Gene: ZNF469 (zinc finger protein 469; plus strand). Cytogenetic location: 16q24.2.
Variant type: single nucleotide variant.
Coding change: c.10379G>C on transcript NM_001367624.2 (MANE Select); coding-DNA position 10379, G replaced by C.
Protein change: p.Gly3460Ala; replaces glycine 3460 with alanine.
Molecular consequence: missense variant.
Genome position (GRCh38, 1-based): chr16:88,437,849, G>C. VCF-style: chr16-88437849-G-C. GRCh37 (hg19) VCF-style: chr16-88504257-G-C.
Other names: NM_001127464.1:c.10295G>C; short protein forms G3460A.
Identifiers: ClinVar variation 3476167 (VCV003476167.1).
Genomic context (GRCh38, chr16:88,437,849, plus strand): 5'-ACCTCAGGGGGGGGCGGCAGCCCTTCGCGTTCCGCGGCGTGCGGAGGCCGGGAGCGCCGG[G>C]ACAGAAGGCCCGGGCCCTCGAGGGCACACTGCCCAGCAAACGGCGCAGGGTGGCCATGCC-3'
Protein context (NP_001354553.1, residues 3450-3470): FRGVRRPGAP[Gly3460Ala]QKARALEGTL